The following is an entry in ClinVar:

NM_013275.6(ANKRD11):c.6125A>G (p.Asp2042Gly)

Gene: ANKRD11 (ankyrin repeat domain 11; minus strand). Cytogenetic location: 16q24.3.
Variant type: single nucleotide variant.
Coding change: c.6125A>G on transcript NM_013275.6 (MANE Select); coding-DNA position 6125, A replaced by G.
Protein change: p.Asp2042Gly; replaces aspartic acid 2042 with glycine.
Molecular consequence: missense variant.
Genome position (GRCh38, 1-based): chr16:89,280,417, T>C on the plus strand (A>G on the coding strand, the complement: ANKRD11 is on the minus strand). VCF-style: chr16-89280417-T-C. GRCh37 (hg19) VCF-style: chr16-89346825-T-C.
Other names: c.6125A>G, p.Asp2042Gly (NM_001256182.2, NM_001256183.2); short protein forms D2042G.
Identifiers: ClinVar variation 589039 (VCV000589039.79), dbSNP rs534182728, ClinGen allele CA8241576.

ClinVar aggregate classification (germline): Likely benign. Review status: criteria provided, multiple submitters, no conflicts (2 of 4 stars). 6 submissions from 6 submitters: Likely benign (6). Last evaluated 2026-06-01.

Conditions:
KBG syndrome (KBGS). Also called: ANKRD11-Related KBG Syndrome. Identifiers: Orphanet 2332, MedGen C0220687, MONDO:0007846, OMIM 148050.
ANKRD11-related disorder. Also called: ANKRD11-related condition.
Inborn genetic diseases. Identifiers: MedGen C0950123, MeSH D030342.

Allele frequency attached by ClinVar (database versions not stated): ExAC 0.00018; gnomAD exomes 0.00026 and 0.00045; 1000 Genomes Project 0.00040; 1000 Genomes Project 30x 0.00047; gnomAD 0.00052 and 0.00055; TOPMed 0.00108.
gnomAD v4.1: 710 of 1,565,852 alleles (0.045%); highest among the groups gnomAD compares: Admixed American, 0.11%; no homozygotes.

Submissions (6):

CeGaT Center for Human Genetics Tuebingen
Classification: Likely benign. Last evaluated: 2026-06-01. Review status: criteria provided, single submitter. Criteria: CeGaT Center For Human Genetics Tuebingen Variant Classification Criteria Version 2. Collection method: clinical testing. Allele origin: germline. Affected: yes. Observed: 6 variant alleles.
Comment: ANKRD11: BP4, BS1

Labcorp Genetics (formerly Invitae), Labcorp
Classification: Likely benign for KBG syndrome. Last evaluated: 2026-01-23. Review status: criteria provided, single submitter. Criteria: Invitae Variant Classification Sherloc (09022015). Collection method: clinical testing. Allele origin: germline.

PreventionGenetics, part of Exact Sciences
Classification: Likely benign for ANKRD11-related condition. Last evaluated: 2025-01-14. Review status: criteria provided, single submitter. Criteria: ACMG Guidelines, 2015. Collection method: clinical testing. Allele origin: germline.
Comment: This variant is classified as likely benign based on ACMG/AMP sequence variant interpretation guidelines (Richards et al. 2015 PMID: 25741868, with internal and published modifications).

Blueprint Genetics
Classification: Likely benign. Last evaluated: 2024-11-13. Review status: criteria provided, single submitter. Criteria: ACMG Guidelines, 2015. Collection method: clinical testing. Allele origin: germline.

Ambry Genetics
Classification: Likely benign for Inborn genetic diseases. Last evaluated: 2023-04-11. Review status: criteria provided, single submitter. Criteria: Ambry Variant Classification Scheme 2023. Collection method: clinical testing. Allele origin: germline.

GeneDx
Classification: Likely benign. Last evaluated: 2021-04-28. Review status: criteria provided, single submitter. Criteria: GeneDx Variant Classification Process June 2021. Collection method: clinical testing. Allele origin: germline. Affected: yes.
Comment: This variant is associated with the following publications: (PMID: 25852444)